The following is an entry in ClinVar:

ClinVar aggregate classification (germline): Uncertain significance (1 of 4 stars; one submission).

Submission:

Labcorp Genetics (formerly Invitae), Labcorp
Classification: Uncertain significance. Last evaluated: 2024-06-11. Review status: criteria provided, single submitter. Criteria: Invitae Variant Classification Sherloc (09022015). Collection method: clinical testing. Allele origin: germline.
Comment: This sequence change replaces arginine, which is basic and polar, with lysine, which is basic and polar, at codon 457 of the SLC45A2 protein (p.Arg457Lys). This variant is present in population databases (no rsID available, gnomAD 0.0009%). This variant has not been reported in the literature in individuals affected with SLC45A2-related conditions. Algorithms developed to predict the effect of missense changes on protein structure and function output the following: SIFT: "Not Available"; PolyPhen-2: "Benign"; Align-GVGD: "Not Available". The lysine amino acid residue is found in multiple mammalian species, which suggests that this missense change does not adversely affect protein function. In summary, the available evidence is currently insufficient to determine the role of this variant in disease. Therefore, it has been classified as a Variant of Uncertain Significance.

NM_016180.5(SLC45A2):c.1370G>A (p.Arg457Lys)

Gene: SLC45A2 (solute carrier family 45 member 2; minus strand). Cytogenetic location: 5p13.2.
Variant type: single nucleotide variant.
Coding change: c.1370G>A on transcript NM_016180.5 (MANE Select); coding-DNA position 1370, G replaced by A.
Protein change: p.Arg457Lys; replaces arginine 457 with lysine.
Molecular consequence: missense variant.
Genome position (GRCh38, 1-based): chr5:33,944,871, C>T on the plus strand (G>A on the coding strand, the complement: SLC45A2 is on the minus strand). VCF-style: chr5-33944871-C-T. GRCh37 (hg19) VCF-style: chr5-33944976-C-T.
Other names: short protein forms R457K.
Identifiers: ClinVar variation 3605441 (VCV003605441.2).